The following is an entry in ClinVar:

ClinVar aggregate classification (germline): Uncertain significance (1 of 4 stars; one submission).

Conditions:
Idiopathic generalized epilepsy. Also called: EIG; Generalised epilepsy. Identifiers: MedGen C0270850, MONDO:0005579, OMIM 600669.
Hyperaldosteronism, familial, type IV (HALD4). Also called: FH IV; ALDOSTERONISM, PRIMARY, AND HYPERTENSION. Identifiers: Orphanet 642671, MedGen C4310756, MONDO:0014875, OMIM 617027.

Submission:

Labcorp Genetics (formerly Invitae), Labcorp
Classification: Uncertain significance for Idiopathic generalized epilepsy; Hyperaldosteronism, familial, type IV. Last evaluated: 2025-03-11. Review status: criteria provided, single submitter. Criteria: Invitae Variant Classification Sherloc (09022015). Collection method: clinical testing. Allele origin: germline.
Comment: This sequence change replaces phenylalanine, which is neutral and non-polar, with leucine, which is neutral and non-polar, at codon 1802 of the CACNA1H protein (p.Phe1802Leu). This variant is not present in population databases (gnomAD no frequency). This variant has not been reported in the literature in individuals affected with CACNA1H-related conditions. ClinVar contains an entry for this variant (Variation ID: 571554). Invitae Evidence Modeling of protein sequence and biophysical properties (such as structural, functional, and spatial information, amino acid conservation, physicochemical variation, residue mobility, and thermodynamic stability) indicates that this missense variant is expected to disrupt CACNA1H protein function with a positive predictive value of 80%. In summary, the available evidence is currently insufficient to determine the role of this variant in disease. Therefore, it has been classified as a Variant of Uncertain Significance.

NM_021098.3(CACNA1H):c.5406C>A (p.Phe1802Leu)

Gene: CACNA1H (calcium voltage-gated channel subunit alpha1 H; plus strand). Cytogenetic location: 16p13.3.
Variant type: single nucleotide variant.
Coding change: c.5406C>A on transcript NM_021098.3 (MANE Select); coding-DNA position 5406, C replaced by A.
Protein change: p.Phe1802Leu; replaces phenylalanine 1802 with leucine.
Molecular consequence: missense variant.
Genome position (GRCh38, 1-based): chr16:1,218,001, C>A. VCF-style: chr16-1218001-C-A. GRCh37 (hg19) VCF-style: chr16-1268001-C-A.
Other names: c.5388C>A, p.Phe1796Leu (NM_001005407.2); short protein forms F1802L, F1796L.
Identifiers: ClinVar variation 571554 (VCV000571554.8), dbSNP rs537055062, ClinGen allele CA394147095.